The following is an entry in ClinVar:

ClinVar aggregate classification (germline): Uncertain significance (1 of 4 stars; one submission).

Conditions:
Ehlers-Danlos syndrome, classic type, 1 (EDSCL1). Also called: EHLERS-DANLOS SYNDROME, GRAVIS TYPE; EHLERS-DANLOS SYNDROME, SEVERE CLASSIC TYPE; EDS I; Ehlers-Danlos Syndrome, Classic Type, COL5A1-Related; Ehlers-Danlos syndrome, type 1. Identifiers: MedGen C0268335, MONDO:0019567, OMIM 130000.

Allele frequency attached by ClinVar (database versions not stated): gnomAD exomes below 0.00001.
gnomAD v4.1: 31 of 1,612,568 alleles (0.0019%); highest among the groups gnomAD compares: Non-Finnish European, 0.0026%; no homozygotes.

Submission:

Labcorp Genetics (formerly Invitae), Labcorp
Classification: Uncertain significance for Ehlers-Danlos syndrome, classic type, 1. Last evaluated: 2022-10-19. Review status: criteria provided, single submitter. Criteria: Invitae Variant Classification Sherloc (09022015). Collection method: clinical testing. Allele origin: germline.
Comment: This sequence change replaces valine, which is neutral and non-polar, with isoleucine, which is neutral and non-polar, at codon 1043 of the COL5A2 protein (p.Val1043Ile). This variant is present in population databases (no rsID available, gnomAD 0.0009%). This variant has not been reported in the literature in individuals affected with COL5A2-related conditions. ClinVar contains an entry for this variant (Variation ID: 1007886). Advanced modeling of protein sequence and biophysical properties (such as structural, functional, and spatial information, amino acid conservation, physicochemical variation, residue mobility, and thermodynamic stability) performed at Invitae indicates that this missense variant is not expected to disrupt COL5A2 protein function. In summary, the available evidence is currently insufficient to determine the role of this variant in disease. Therefore, it has been classified as a Variant of Uncertain Significance.

NM_000393.5(COL5A2):c.3127G>A (p.Val1043Ile)

Gene: COL5A2 (collagen type V alpha 2 chain; minus strand). Cytogenetic location: 2q32.2.
Variant type: single nucleotide variant.
Coding change: c.3127G>A on transcript NM_000393.5 (MANE Select); coding-DNA position 3127, G replaced by A.
Protein change: p.Val1043Ile; replaces valine 1043 with isoleucine.
Molecular consequence: missense variant.
Genome position (GRCh38, 1-based): chr2:189,049,367, C>T on the plus strand (G>A on the coding strand, the complement: COL5A2 is on the minus strand). VCF-style: chr2-189049367-C-T. GRCh37 (hg19) VCF-style: chr2-189914093-C-T.
Other names: short protein forms V1043I.
Identifiers: ClinVar variation 1007886 (VCV001007886.7), dbSNP rs1186405696, ClinGen allele CA349865215.